The following is an entry in ClinVar:

ClinVar aggregate classification (germline): Uncertain significance (1 of 4 stars; one submission).

Conditions:
Inborn genetic diseases. Identifiers: MedGen C0950123, MeSH D030342.

Allele frequency attached by ClinVar (database versions not stated): gnomAD exomes 0.00001; ExAC 0.00002; gnomAD 0.00008; ESP Exome Variant Server 0.00010; TOPMed 0.00010; 1000 Genomes Project 30x 0.00016; 1000 Genomes Project 0.00020.
gnomAD v4.1: 25 of 1,613,330 alleles (0.0015%); highest among the groups gnomAD compares: African/African-American, 0.032%; no homozygotes.

Submission:

Ambry Genetics
Classification: Uncertain significance for Inborn genetic diseases. Last evaluated: 2022-03-27. Review status: criteria provided, single submitter. Criteria: Ambry Variant Classification Scheme 2023. Collection method: clinical testing. Allele origin: germline.
Comment: The c.624+2T>A intronic alteration consists of a T to A substitution two nucleotides after exon 5 of the TCF7L2 gene. Alterations that disrupt the canonical splice donor site are typically deleterious in nature (Richards, 2015). Based on insufficient or conflicting evidence, the clinical significance of this alteration remains unclear.

NM_001367943.1(TCF7L2):c.552+49416T>A

Gene: TCF7L2 (transcription factor 7 like 2; plus strand). Cytogenetic location: 10q25.2.
Variant type: single nucleotide variant.
Coding change: c.552+49416T>A on transcript NM_001367943.1 (MANE Select); 49416 bases into the intron after coding-DNA position 552, T replaced by A.
Molecular consequence: intron variant. On other transcripts: splice donor variant (1).
Genome position (GRCh38, 1-based): chr10:113,089,542, T>A. VCF-style: chr10-113089542-T-A. GRCh37 (hg19) VCF-style: chr10-114849301-T-A.
Other names: c.552+49416T>A (NM_001363501.2, NM_001146274.2, NM_001198531.2); c.624+2T>A (NM_001146283.2); c.483+49416T>A (NM_001198525.2, NM_001198528.2, NM_030756.5 and 6 more transcripts); c.382-51642T>A (NM_001198530.2).
Identifiers: ClinVar variation 2277941 (VCV002277941.2), dbSNP rs368446452, ClinGen allele CA5692916.